The following is an entry in ClinVar:

NM_000071.3(CBS):c.1126G>A (p.Asp376Asn)

Gene: CBS (cystathionine beta-synthase; minus strand). Cytogenetic location: 21q22.3.
Variant type: single nucleotide variant.
Coding change: c.1126G>A on transcript NM_000071.3 (MANE Select); coding-DNA position 1126, G replaced by A.
Protein change: p.Asp376Asn; replaces aspartic acid 376 with asparagine.
Molecular consequence: missense variant.
Genome position (GRCh38, 1-based): chr21:43,060,460, C>T on the plus strand (G>A on the coding strand, the complement: CBS is on the minus strand). VCF-style: chr21-43060460-C-T. GRCh37 (hg19) VCF-style: chr21-44480570-C-T.
Other names: c.1126G>A, p.Asp376Asn (NM_001320298.2, NM_001178008.3, NM_001178009.3); c.811G>A, p.Asp271Asn (NM_001321072.1); short protein forms D376N, D271N.
Identifiers: ClinVar variation 647345 (VCV000647345.35), dbSNP rs1170128038, ClinGen allele CA410397989.

ClinVar aggregate classification (germline): Pathogenic/Likely pathogenic. Review status: criteria provided, multiple submitters, no conflicts (2 of 4 stars). 6 submissions from 6 submitters: Pathogenic (4); Likely pathogenic (2). Last evaluated 2025-08-20.

Conditions:
Homocystinuria. Identifiers: MedGen C0019880, MONDO:0004737, HP:0002156.
Classic homocystinuria. Also called: HOMOCYSTINURIA WITH OR WITHOUT RESPONSE TO PYRIDOXINE; Homocystinuria due to Cystathionine Beta-Synthase Deficiency; Homocystinuria due to CBS deficiency; Cystathionine beta-synthase deficiency; CBS deficiency. Identifiers: Orphanet 394, MedGen C0751202, MONDO:0009352, OMIM 236200.
HYPERHOMOCYSTEINEMIA, THROMBOTIC, CBS-RELATED. Identifiers: MedGen C3150344, OMIM 236200.

Allele frequency attached by ClinVar (database versions not stated): gnomAD exomes below 0.00001.

Submissions (6):

Labcorp Genetics (formerly Invitae), Labcorp
Classification: Pathogenic for HYPERHOMOCYSTEINEMIA, THROMBOTIC, CBS-RELATED. Last evaluated: 2025-08-20. Review status: criteria provided, single submitter. Criteria: Invitae Variant Classification Sherloc (09022015). Collection method: clinical testing. Allele origin: germline.
Comment: This sequence change replaces aspartic acid, which is acidic and polar, with asparagine, which is neutral and polar, at codon 376 of the CBS protein (p.Asp376Asn). This variant is present in population databases (no rsID available, gnomAD 0.003%). This missense change has been observed in individuals with homocystinuria (PMID: 20567906, 29352562). ClinVar contains an entry for this variant (Variation ID: 647345). Invitae Evidence Modeling of protein sequence and biophysical properties (such as structural, functional, and spatial information, amino acid conservation, physicochemical variation, residue mobility, and thermodynamic stability) indicates that this missense variant is expected to disrupt CBS protein function with a positive predictive value of 95%. Experimental studies have shown that this missense change affects CBS function (PMID: 14635102, 20066033, 22267502). For these reasons, this variant has been classified as Pathogenic.

Women's Health and Genetics/Laboratory Corporation of America, LabCorp
Classification: Pathogenic for Homocystinuria. Last evaluated: 2025-07-17. Review status: criteria provided, single submitter. Criteria: LabCorp Variant Classification Summary - May 2015. Collection method: clinical testing. Allele origin: germline.
Comment: Variant summary: CBS c.1126G>A (p.Asp376Asn) results in a conservative amino acid change in the encoded protein sequence. Algorithms developed to predict the effect of missense changes on protein structure and function are either unavailable or do not agree on the potential impact of this missense change. The variant allele was found at a frequency of 4e-06 in 249200 control chromosomes. c.1126G>A has been observed in individual(s) affected with Homocystinuria (Poloni_2018, Magner_2011, Kruger_2003). These data indicate that the variant is likely to be associated with disease. At least one publication reports experimental evidence evaluating an impact on protein function. The most pronounced variant effect results in <10% of normal activity (Kruger_2003). The following publications have been ascertained in the context of this evaluation (PMID: 29352562, 20567906, 14635102). ClinVar contains an entry for this variant (Variation ID: 647345). Based on the evidence outlined above, the variant was classified as pathogenic.

Myriad Genetics, Inc.
Classification: Likely pathogenic for Classic homocystinuria. Last evaluated: 2025-06-16. Review status: criteria provided, single submitter. Criteria: Myriad Autosomal Dominant, Autosomal Recessive and X-Linked Classification Criteria (2023). Collection method: clinical testing. Allele origin: unknown.
Comment: NM_000071.2(CBS):c.1126G>A(D376N) is a missense variant classified as likely pathogenic in the context of homocystinuria, CBS-related. D376N has been observed in cases with relevant disease (PMID: 14635102, 29352562, 20567906, 38070950). Relevant functional assessments of this variant are not available in the literature. D376N has been observed in referenced population frequency databases. In summary, NM_000071.2(CBS):c.1126G>A(D376N) is a missense variant that has been observed more frequently in cases with the relevant disease than in healthy populations. Please note: this variant was assessed in the context of healthy population screening.

Baylor Genetics
Classification: Pathogenic for Classic homocystinuria. Last evaluated: 2024-02-05. Review status: criteria provided, single submitter. Criteria: ACMG Guidelines, 2015. Collection method: clinical testing. Allele origin: unknown.

CeGaT Center for Human Genetics Tuebingen
Classification: Likely pathogenic. Last evaluated: 2024-02-01. Review status: criteria provided, single submitter. Criteria: CeGaT Center For Human Genetics Tuebingen Variant Classification Criteria Version 2. Collection method: clinical testing. Allele origin: germline. Affected: yes. Observed: 1 variant allele.
Comment: CBS: PM3:Strong, PM2, PP4:Moderate, PS3:Supporting

Neuberg Centre For Genomic Medicine, NCGM
Classification: Pathogenic for Classic homocystinuria. Review status: criteria provided, single submitter. Criteria: ACMG Guidelines, 2015. Collection method: clinical testing. Allele origin: germline. Affected: yes.
Comment: The CBS c.1126G>A (p.Asp376Asn) variant has been reported in individuals affected with Homocystinuria (Poloni et al., 2018; Magner et al., 2011). Experimental studies have shown that this missense change decreases CBS enzyme activity (Mayfield et al., 2012; Singh et al., 2010;Kruger et al., 2003). The p.Asp376Asn variant is reported with the allele frequency (0.0004%) in the gnomAD Exomes and is novel (not in any individuals) in 1000 Genomes. It has been submitted to ClinVar as a Pathogenic variant. The amino acid Asp at position 376 is changed to a Asn changing protein sequence and it might alter its composition and physico-chemical properties. The variant is predicted to be damaging by both SIFT and PolyPhen2. The residue is conserved across species. The amino acid change p.Asp376Asn in CBS is predicted as conserved by GERP++ and PhyloP across 100 vertebrates. For these reasons, this variant has been classified as Pathogenic.

Literature cited by the submitters: PubMed 20567906 (cited by 3 submitters); PubMed 29352562 (cited by 3 submitters); PubMed 14635102 (cited by 3 submitters); PubMed 20066033 (cited by Labcorp Genetics (formerly Invitae), Labcorp); PubMed 22267502 (cited by Labcorp Genetics (formerly Invitae), Labcorp); PubMed 38070950 (cited by Myriad Genetics, Inc.).